The following is an entry in ClinVar:

NM_006206.6(PDGFRA):c.1557C>T (p.Pro519=)

Gene: PDGFRA (platelet derived growth factor receptor alpha; plus strand). Cytogenetic location: 4q12.
Variant type: single nucleotide variant.
Coding change: c.1557C>T on transcript NM_006206.6 (MANE Select); coding-DNA position 1557, C replaced by T.
Protein change: p.Pro519=; no amino-acid change (proline 519 retained).
Molecular consequence: synonymous variant.
Genome position (GRCh38, 1-based): chr4:54,273,729, C>T. VCF-style: chr4-54273729-C-T. GRCh37 (hg19) VCF-style: chr4-55139896-C-T.
Other names: c.1557C>T, p.Pro519= (NM_001347827.2, NM_001347829.2); c.1632C>T, p.Pro544= (NM_001347828.2); c.1596C>T, p.Pro532= (NM_001347830.2); c.1557C>T (NM_006206.4).
Identifiers: ClinVar variation 1466831 (VCV001466831.7), dbSNP rs2110293461, ClinGen allele CA439287092.

ClinVar aggregate classification (germline): Conflicting classifications of pathogenicity. Review status: criteria provided, conflicting classifications (1 of 4 stars). 2 submissions from 2 submitters: Uncertain significance (1); Likely benign (1). Last evaluated 2024-05-05.

Conditions:
Hereditary cancer-predisposing syndrome. Also called: Hereditary neoplastic syndrome; Tumor predisposition; Hereditary Cancer Syndrome; Neoplastic Syndromes, Hereditary. Identifiers: Orphanet 140162, MedGen C0027672, MeSH D009386, MONDO:0015356.
Gastrointestinal stromal tumor. Also called: Gastrointestinal stroma tumor; Gastrointestinal stromal tumor, somatic. Identifiers: Orphanet 44890, MedGen C0238198, MeSH D046152, MONDO:0011719, OMIM 606764, HP:0100723.

Submissions (2):

Labcorp Genetics (formerly Invitae), Labcorp
Classification: Uncertain significance for Gastrointestinal stromal tumor. Last evaluated: 2024-05-05. Review status: criteria provided, single submitter. Criteria: Invitae Variant Classification Sherloc (09022015). Collection method: clinical testing. Allele origin: germline.
Comment: This sequence change affects codon 519 of the PDGFRA mRNA. It is a 'silent' change, meaning that it does not change the encoded amino acid sequence of the PDGFRA protein. It affects a nucleotide within the consensus splice site. This variant is not present in population databases (gnomAD no frequency). This variant has not been reported in the literature in individuals affected with PDGFRA-related conditions. ClinVar contains an entry for this variant (Variation ID: 1466831). Algorithms developed to predict the effect of sequence changes on RNA splicing suggest that this variant is not likely to affect RNA splicing. In summary, the available evidence is currently insufficient to determine the role of this variant in disease. Therefore, it has been classified as a Variant of Uncertain Significance.

Ambry Genetics
Classification: Likely benign for Hereditary cancer-predisposing syndrome. Last evaluated: 2023-11-01. Review status: criteria provided, single submitter. Criteria: Ambry Variant Classification Scheme 2023. Collection method: clinical testing. Allele origin: germline.